The following is an entry in ClinVar:

NM_001127198.5(TMC6):c.1520A>G (p.Tyr507Cys)

Gene: TMC6 (transmembrane channel like 6; minus strand). Cytogenetic location: 17q25.3.
Variant type: single nucleotide variant.
Coding change: c.1520A>G on transcript NM_001127198.5 (MANE Select); coding-DNA position 1520, A replaced by G.
Protein change: p.Tyr507Cys; replaces tyrosine 507 with cysteine.
Molecular consequence: missense variant. On other transcripts: non-coding transcript variant (4).
Genome position (GRCh38, 1-based): chr17:78,121,028, T>C on the plus strand (A>G on the coding strand, the complement: TMC6 is on the minus strand). VCF-style: chr17-78121028-T-C. GRCh37 (hg19) VCF-style: chr17-76117109-T-C.
Other names: c.1520A>G, p.Tyr507Cys (NM_001321185.1, NM_001374593.1, NM_001374594.1 and 4 more transcripts); short protein forms Y507C.
Identifiers: ClinVar variation 1373426 (VCV001373426.8), dbSNP rs755438439, ClinGen allele CA8795723.

ClinVar aggregate classification (germline): Uncertain significance (1 of 4 stars; one submission).

Conditions:
Epidermodysplasia verruciformis. Identifiers: Orphanet 302, MedGen C0014522, MONDO:0009176.

Allele frequency attached by ClinVar (database versions not stated): gnomAD exomes below 0.00001 and 0.00001; TOPMed below 0.00001; ExAC 0.00001; gnomAD 0.00001.
gnomAD v4.1: 4 of 1,613,222 alleles (0.00025%); highest among the groups gnomAD compares: East Asian, 0.0067%; no homozygotes.

Submission:

Labcorp Genetics (formerly Invitae), Labcorp
Classification: Uncertain significance for Epidermodysplasia verruciformis. Last evaluated: 2023-08-04. Review status: criteria provided, single submitter. Criteria: Invitae Variant Classification Sherloc (09022015). Collection method: clinical testing. Allele origin: germline.
Comment: In summary, the available evidence is currently insufficient to determine the role of this variant in disease. Therefore, it has been classified as a Variant of Uncertain Significance. Algorithms developed to predict the effect of sequence changes on RNA splicing suggest that this variant may create or strengthen a splice site. An algorithm developed to predict the effect of missense changes on protein structure and function (PolyPhen-2) suggests that this variant is likely to be disruptive. ClinVar contains an entry for this variant (Variation ID: 1373426). This variant has not been reported in the literature in individuals affected with TMC6-related conditions. This variant is present in population databases (rs755438439, gnomAD 0.01%). This sequence change replaces tyrosine, which is neutral and polar, with cysteine, which is neutral and slightly polar, at codon 507 of the TMC6 protein (p.Tyr507Cys).